The following is an entry in ClinVar:

ClinVar aggregate classification (germline): Conflicting classifications of pathogenicity. Review status: criteria provided, conflicting classifications (1 of 4 stars). 3 submissions from 3 submitters: Uncertain significance (1); Benign (1); Likely benign (1). Last evaluated 2025-08-23.

Conditions:
Cardiovascular phenotype. Identifiers: MedGen CN230736.
Brugada syndrome. Also called: Sudden unexpected nocturnal death syndrome; Sudden unexplained nocturnal death syndrome; Sudden Unexplained Death Syndrome; Sudden Unexplained Nocturnal Death Syndrome (SUNDS). Identifiers: Orphanet 130, MedGen C1142166, MONDO:0015263.

Allele frequency attached by ClinVar (database versions not stated): gnomAD exomes 0.00003; gnomAD 0.00005; TOPMed 0.00006; ExAC 0.00007.
gnomAD v4.1: 58 of 1,614,000 alleles (0.0036%); highest among the groups gnomAD compares: African/African-American, 0.019%; no homozygotes.

Submissions (3):

Labcorp Genetics (formerly Invitae), Labcorp
Classification: Uncertain significance for Brugada syndrome. Last evaluated: 2025-08-23. Review status: criteria provided, single submitter. Criteria: Invitae Variant Classification Sherloc (09022015). Collection method: clinical testing. Allele origin: germline.
Comment: This sequence change affects codon 663 of the SCN10A mRNA. It is a 'silent' change, meaning that it does not change the encoded amino acid sequence of the SCN10A protein. This variant is present in population databases (rs764260671, gnomAD 0.02%). This variant has not been reported in the literature in individuals affected with SCN10A-related conditions. ClinVar contains an entry for this variant (Variation ID: 1783911). Algorithms developed to predict the effect of sequence changes on RNA splicing suggest that this variant may disrupt the consensus splice site. In summary, the available evidence is currently insufficient to determine the role of this variant in disease. Therefore, it has been classified as a Variant of Uncertain Significance.

Women's Health and Genetics/Laboratory Corporation of America, LabCorp
Classification: Benign. Last evaluated: 2024-09-03. Review status: criteria provided, single submitter. Criteria: LabCorp Variant Classification Summary - May 2015. Collection method: clinical testing. Allele origin: germline.

Ambry Genetics
Classification: Likely benign for Cardiovascular phenotype. Last evaluated: 2019-08-28. Review status: criteria provided, single submitter. Criteria: Ambry Variant Classification Scheme 2023. Collection method: clinical testing. Allele origin: germline.

NM_006514.4(SCN10A):c.1989G>A (p.Thr663=)

Gene: SCN10A (sodium voltage-gated channel alpha subunit 10; minus strand). Cytogenetic location: 3p22.2.
Variant type: single nucleotide variant.
Coding change: c.1989G>A on transcript NM_006514.4 (MANE Select); coding-DNA position 1989, G replaced by A.
Protein change: p.Thr663=; no amino-acid change (threonine 663 retained).
Molecular consequence: synonymous variant.
Genome position (GRCh38, 1-based): chr3:38,742,408, C>T on the plus strand (G>A on the coding strand, the complement: SCN10A is on the minus strand). VCF-style: chr3-38742408-C-T. GRCh37 (hg19) VCF-style: chr3-38783899-C-T.
Other names: c.1989G>A, p.Thr663= (NM_001293306.2); c.1695G>A, p.Thr565= (NM_001293307.2).
Identifiers: ClinVar variation 1783911 (VCV001783911.4), dbSNP rs764260671, ClinGen allele CA2320682.